The following is an entry in ClinVar:

NM_003200.5(TCF3):c.287C>T (p.Pro96Leu)

Gene: TCF3 (transcription factor 3; minus strand). Cytogenetic location: 19p13.3.
Variant type: single nucleotide variant.
Coding change: c.287C>T on transcript NM_003200.5 (MANE Select); coding-DNA position 287, C replaced by T.
Protein change: p.Pro96Leu; replaces proline 96 with leucine.
Molecular consequence: missense variant.
Genome position (GRCh38, 1-based): chr19:1,632,049, G>A on the plus strand (C>T on the coding strand, the complement: TCF3 is on the minus strand). VCF-style: chr19-1632049-G-A. GRCh37 (hg19) VCF-style: chr19-1632048-G-A.
Other names: c.287C>T, p.Pro96Leu (NM_001136139.4, NM_001351778.2, NM_001351779.2); short protein forms P96L.
Identifiers: ClinVar variation 1434268 (VCV001434268.6), dbSNP rs531623553, ClinGen allele CA9050511.

ClinVar aggregate classification (germline): Uncertain significance (1 of 4 stars; one submission).

Allele frequency attached by ClinVar (database versions not stated): gnomAD 0.00001 and 0.00005; TOPMed 0.00002; gnomAD exomes 0.00021; ExAC 0.00024; 1000 Genomes Project 0.00040; 1000 Genomes Project 30x 0.00047.
gnomAD v4.1: 128 of 1,613,196 alleles (0.0079%); highest among the groups gnomAD compares: South Asian, 0.11%; 1 homozygote.

Submission:

Labcorp Genetics (formerly Invitae), Labcorp
Classification: Uncertain significance. Last evaluated: 2025-07-21. Review status: criteria provided, single submitter. Criteria: Invitae Variant Classification Sherloc (09022015). Collection method: clinical testing. Allele origin: germline.
Comment: This sequence change replaces proline, which is neutral and non-polar, with leucine, which is neutral and non-polar, at codon 96 of the TCF3 protein (p.Pro96Leu). This variant is present in population databases (rs531623553, gnomAD 0.2%). This variant has not been reported in the literature in individuals affected with TCF3-related conditions. ClinVar contains an entry for this variant (Variation ID: 1434268). Invitae Evidence Modeling of protein sequence and biophysical properties (such as structural, functional, and spatial information, amino acid conservation, physicochemical variation, residue mobility, and thermodynamic stability) indicates that this missense variant is not expected to disrupt TCF3 protein function with a negative predictive value of 80%. In summary, the available evidence is currently insufficient to determine the role of this variant in disease. Therefore, it has been classified as a Variant of Uncertain Significance.